The following is an entry in ClinVar:

ClinVar aggregate classification (germline): Pathogenic/Likely pathogenic. Review status: criteria provided, multiple submitters, no conflicts (2 of 4 stars). 6 submissions from 6 submitters: Pathogenic (2); Likely pathogenic (3). 1 of the submissions does not count toward it. Last evaluated 2025-11-04.

Conditions:
Hyperekplexia 3 (HKPX3). Also called: HYPEREKPLEXIA 3, AUTOSOMAL RECESSIVE; HYPEREKPLEXIA 3, AUTOSOMAL DOMINANT. Identifiers: Orphanet 3197, MedGen C3553288, MONDO:0013827, OMIM 614618.
SLC6A5-related disorder. Also called: SLC6A5-related condition.

Allele frequency attached by ClinVar (database versions not stated): gnomAD 0.00001; ExAC 0.00002; gnomAD exomes 0.00002 and 0.00006; TOPMed 0.00002.
gnomAD v4.1: 88 of 1,612,442 alleles (0.0055%); highest among the groups gnomAD compares: Non-Finnish European, 0.0066%; no homozygotes.

Submissions (6):

GeneDx
Classification: Likely pathogenic. Last evaluated: 2025-11-04. Review status: criteria provided, single submitter. Criteria: GeneDx Variant Classification Process June 2021. Collection method: clinical testing. Allele origin: germline. Affected: yes.
Comment: Published functional studies demonstrate that p.(F547S) has a negative effect on protein function (PMID: 22700964); In silico analysis supports that this missense variant has a deleterious effect on protein structure/function; This variant is associated with the following publications: (PMID: 24030948, 29859229, 34266921, 22700964)

Labcorp Genetics (formerly Invitae), Labcorp
Classification: Pathogenic for Hyperekplexia 3. Last evaluated: 2025-04-11. Review status: criteria provided, single submitter. Criteria: Invitae Variant Classification Sherloc (09022015). Collection method: clinical testing. Allele origin: germline.
Comment: This sequence change replaces phenylalanine, which is neutral and non-polar, with serine, which is neutral and polar, at codon 547 of the SLC6A5 protein (p.Phe547Ser). This variant is present in population databases (rs772652517, gnomAD 0.007%). This missense change has been observed in individuals with hyperekplexia (PMID: 22700964; internal data). ClinVar contains an entry for this variant (Variation ID: 540366). Invitae Evidence Modeling of protein sequence and biophysical properties (such as structural, functional, and spatial information, amino acid conservation, physicochemical variation, residue mobility, and thermodynamic stability) has been performed for this missense variant. However, the output from this modeling did not meet the statistical confidence thresholds required to predict the impact of this variant on SLC6A5 protein function. For these reasons, this variant has been classified as Pathogenic.

ARUP Laboratories, Molecular Genetics and Genomics, ARUP Laboratories
Classification: Likely pathogenic for Hyperekplexia 3. Last evaluated: 2024-01-17. Review status: criteria provided, single submitter. Criteria: ARUP Molecular Germline Variant Investigation Process 2024. Collection method: clinical testing. Allele origin: germline.
Comment: The SLC6A5 c.1640T>C; p.Phe547Ser variant (rs772652517, ClinVar Variation ID: 540366) has been reported in the literature in multiple complex heterozygous individuals with hyperekplexia and function analysis found this variant is deficient in glycine uptake (Carta 2012, Neupert 2021). This variant is only observed on five alleles in the Genome Aggregation Database (v2.1.1), indicating it is not a common polymorphism. Computational analyses predict that this variant is deleterious (REVEL: 0.965). This variant is also reported in ClinVar (Variation ID: 540366). Based on available information, this variant is considered to be likely pathogenic. References: Carta E et al. Mutations in the GlyT2 gene (SLC6A5) are a second major cause of startle disease. J Biol Chem. 2012 Aug 17;287(34):28975-85. PMID: 22700964. Neupert DG et al. Teaching Video NeuroImage: Hereditary Hyperekplexia Mimicking Tonic Seizures in an Infant. Neurology. 2021 Nov 30;97(22):e2248-e2249. PMID: 34266921.

Blueprint Genetics
Classification: Likely pathogenic for SLC6A5-related disorders. Last evaluated: 2023-05-09. Review status: criteria provided, single submitter. Criteria: ACMG Guidelines, 2015. Collection method: clinical testing. Allele origin: germline. Affected: yes. Observed: 1 variant allele.

Mendelics
Classification: Pathogenic for Hyperekplexia 3. Last evaluated: 2019-05-28. Review status: criteria provided, single submitter. Criteria: Mendelics Assertion Criteria 2017. Collection method: clinical testing. Allele origin: unknown.

PreventionGenetics, part of Exact Sciences
Classification: Pathogenic for SLC6A5-related condition. Last evaluated: 2024-09-24. Review status: no assertion criteria provided. Collection method: clinical testing. Allele origin: germline. Not counted in ClinVar's aggregate classification.
Comment: The SLC6A5 c.1640T>C variant is predicted to result in the amino acid substitution p.Phe547Ser. This variant has been reported in the compound heterozygous state in multiple individuals with hyperekplexia (Carta et al. 2012. PubMed ID: 22700964; Thomas et al. 2013. PubMed ID: 24030948; Neupert et al. 2021. PubMed ID: 34266921). This variant has been reported to segregate with hyperekplexia in two different consanguineous families (Internal Data, PreventionGenetics). In vitro functional studies indicate that this variant impacts protein function (Carta et al. 2012. PubMed ID: 22700964) and in silico analyses suggest this variant changes the position of key residues and the binding site resulting in a more severe phenotype (Thomas et al. 2013. PubMed ID: 24030948; Lopez-Corcuera et al. 2019. PubMed ID: 29859229). This variant is reported in 0.0062% of alleles in individuals of African descent in gnomAD. This variant is interpreted as pathogenic.

Literature cited by the submitters: PubMed 22700964 (cited by Labcorp Genetics (formerly Invitae), Labcorp).

NM_004211.5(SLC6A5):c.1640T>C (p.Phe547Ser)

Gene: SLC6A5 (solute carrier family 6 member 5; plus strand). Cytogenetic location: 11p15.1.
Variant type: single nucleotide variant.
Coding change: c.1640T>C on transcript NM_004211.5 (MANE Select); coding-DNA position 1640, T replaced by C.
Protein change: p.Phe547Ser; replaces phenylalanine 547 with serine.
Molecular consequence: missense variant.
Genome position (GRCh38, 1-based): chr11:20,636,322, T>C. VCF-style: chr11-20636322-T-C. GRCh37 (hg19) VCF-style: chr11-20657868-T-C.
Other names: c.938T>C, p.Phe313Ser (NM_001318369.2); c.1640T>C (NM_004211.4); short protein forms F547S, F313S.
Identifiers: ClinVar variation 540366 (VCV000540366.18), dbSNP rs772652517, ClinGen allele CA5921539.